The following is an entry in ClinVar:

NM_016333.4(SRRM2):c.2173G>A (p.Gly725Ser)

Gene: SRRM2 (serine/arginine repetitive matrix 2; plus strand). Cytogenetic location: 16p13.3.
Variant type: single nucleotide variant.
Coding change: c.2173G>A on transcript NM_016333.4 (MANE Select); coding-DNA position 2173, G replaced by A.
Protein change: p.Gly725Ser; replaces glycine 725 with serine.
Molecular consequence: missense variant.
Genome position (GRCh38, 1-based): chr16:2,762,701, G>A. VCF-style: chr16-2762701-G-A. GRCh37 (hg19) VCF-style: chr16-2812702-G-A.
Other names: short protein forms G725S.
Identifiers: ClinVar variation 3372125 (VCV003372125.1).

ClinVar aggregate classification (germline): Uncertain significance (1 of 4 stars; one submission).

gnomAD v4.1: 1 of 1,614,038 alleles (0.000062%); highest among the groups gnomAD compares: African/African-American, 0.0013%; no homozygotes.

Submission:

GeneDx
Classification: Uncertain significance. Last evaluated: 2024-04-09. Review status: criteria provided, single submitter. Criteria: GeneDx Variant Classification Process June 2021. Collection method: clinical testing. Allele origin: germline. Affected: yes.
Comment: In silico analysis indicates that this missense variant does not alter protein structure/function; Has not been previously published as pathogenic or benign to our knowledge